The following is an entry in ClinVar:

ClinVar aggregate classification (germline): Uncertain significance. Review status: criteria provided, multiple submitters, no conflicts (2 of 4 stars). 2 submissions from 2 submitters: Uncertain significance (2). Last evaluated 2024-01-23.

Allele frequency attached by ClinVar (database versions not stated): gnomAD 0.00015.
gnomAD v4.1: 87 of 1,536,014 alleles (0.0057%); highest among the groups gnomAD compares: Admixed American, 0.039%; no homozygotes.

Submissions (2):

Ambry Genetics
Classification: Uncertain significance. Last evaluated: 2024-01-23. Review status: criteria provided, single submitter. Criteria: Ambry Variant Classification Scheme 2023. Collection method: clinical testing. Allele origin: germline.

Labcorp Genetics (formerly Invitae), Labcorp
Classification: Uncertain significance. Last evaluated: 2021-05-21. Review status: criteria provided, single submitter. Criteria: Invitae Variant Classification Sherloc (09022015). Collection method: clinical testing. Allele origin: germline.
Comment: In summary, the available evidence is currently insufficient to determine the role of this variant in disease. Therefore, it has been classified as a Variant of Uncertain Significance. Algorithms developed to predict the effect of missense changes on protein structure and function are either unavailable or do not agree on the potential impact of this missense change (SIFT: "Deleterious"; PolyPhen-2: "Benign"; Align-GVGD: "Class C0"). This variant has not been reported in the literature in individuals with CCDC141-related conditions. The frequency data for this variant in the population databases is considered unreliable, as metrics indicate insufficient coverage at this position in the ExAC database. This sequence change replaces glycine with valine at codon 1500 of the CCDC141 protein (p.Gly1500Val). The glycine residue is weakly conserved and there is a moderate physicochemical difference between glycine and valine.

NM_173648.4(CCDC141):c.4499G>T (p.Gly1500Val)

Gene: CCDC141 (coiled-coil domain containing 141; minus strand). Cytogenetic location: 2q31.2.
Variant type: single nucleotide variant.
Coding change: c.4499G>T on transcript NM_173648.4 (MANE Select); coding-DNA position 4499, G replaced by T.
Protein change: p.Gly1500Val; replaces glycine 1500 with valine.
Molecular consequence: missense variant.
Genome position (GRCh38, 1-based): chr2:178,834,267, C>A on the plus strand (G>T on the coding strand, the complement: CCDC141 is on the minus strand). VCF-style: chr2-178834267-C-A. GRCh37 (hg19) VCF-style: chr2-179698994-C-A.
Other names: c.4499G>T (NM_173648.3); short protein forms G1500V.
Identifiers: ClinVar variation 1424979 (VCV001424979.9), dbSNP rs199532854, ClinGen allele CA61006772.